The following is an entry in ClinVar:

NM_000238.4(KCNH2):c.424G>A (p.Ala142Thr)

Gene: KCNH2 (potassium voltage-gated channel subfamily H member 2; minus strand). Cytogenetic location: 7q36.1.
Variant type: single nucleotide variant.
Coding change: c.424G>A on transcript NM_000238.4 (MANE Select); coding-DNA position 424, G replaced by A.
Protein change: p.Ala142Thr; replaces alanine 142 with threonine.
Molecular consequence: missense variant.
Genome position (GRCh38, 1-based): chr7:150,959,620, C>T on the plus strand (G>A on the coding strand, the complement: KCNH2 is on the minus strand). VCF-style: chr7-150959620-C-T. GRCh37 (hg19) VCF-style: chr7-150656708-C-T.
Other names: c.136G>A, p.Ala46Thr (NM_001406753.1, NM_001406756.1); c.247G>A, p.Ala83Thr (NM_001406755.1); c.124G>A, p.Ala42Thr (NM_001406757.1); c.424G>A, p.Ala142Thr (NM_172056.3); short protein forms A142T, A46T, A83T, A42T.
Identifiers: ClinVar variation 1025220 (VCV001025220.10), dbSNP rs767514448, ClinGen allele CA039366.

ClinVar aggregate classification (germline): Uncertain significance. Review status: criteria provided, multiple submitters, no conflicts (2 of 4 stars). 2 submissions from 2 submitters: Uncertain significance (2). Last evaluated 2024-02-05.

Conditions:
Long QT syndrome (LQTS). Identifiers: MedGen C0023976, MeSH D008133, MONDO:0002442. Disease mechanism: loss of function. Inheritance: Various modes of inheritance.

Allele frequency attached by ClinVar (database versions not stated): gnomAD exomes below 0.00001; TOPMed below 0.00001; ExAC 0.00001; gnomAD 0.00001.
gnomAD v4.1: 3 of 1,614,006 alleles (0.00019%); highest among the groups gnomAD compares: African/African-American, 0.0027%; no homozygotes.

Submissions (2):

All of Us Research Program, National Institutes of Health
Classification: Uncertain significance for Long QT syndrome. Last evaluated: 2024-02-05. Review status: criteria provided, single submitter. Criteria: ACMG Guidelines, 2015. Collection method: clinical testing. Allele origin: germline. Inheritance: Autosomal dominant inheritance. Observed: 1 variant allele, 1 heterozygote.
Comment: This missense variant replaces alanine with threonine at codon 142 of the KCNH2 protein. Computational prediction suggests that this variant may not impact protein structure and function (internally defined REVEL score threshold <= 0.5, PMID: 27666373). To our knowledge, functional studies have not been reported for this variant. This variant has not been reported in individuals affected with KCNH2-related disorders in the literature. This variant has been identified in 2/282568 chromosomes in the general population by the Genome Aggregation Database (gnomAD). The available evidence is insufficient to determine the role of this variant in disease conclusively. Therefore, this variant is classified as a Variant of Uncertain Significance.

This study involves interpretation of variants in research participants for the purpose of population health screening. Participant phenotype was not available at the time of variant classification. Additional details can be found in publication PMID: 35346344, PMCID: PMC8962531

Labcorp Genetics (formerly Invitae), Labcorp
Classification: Uncertain significance for Long QT syndrome. Last evaluated: 2020-07-29. Review status: criteria provided, single submitter. Criteria: Invitae Variant Classification Sherloc (09022015). Collection method: clinical testing. Allele origin: germline.
Comment: This variant has not been reported in the literature in individuals with KCNH2-related conditions. This variant is present in population databases (rs767514448, ExAC 0.009%). This sequence change replaces alanine with threonine at codon 142 of the KCNH2 protein (p.Ala142Thr). The alanine residue is weakly conserved and there is a small physicochemical difference between alanine and threonine. In summary, the available evidence is currently insufficient to determine the role of this variant in disease. Therefore, it has been classified as a Variant of Uncertain Significance. Algorithms developed to predict the effect of missense changes on protein structure and function (SIFT, PolyPhen-2, Align-GVGD) all suggest that this variant is likely to be tolerated, but these predictions have not been confirmed by published functional studies and their clinical significance is uncertain.